The following is an entry in ClinVar:

NM_001257180.2(SLC20A2):c.1117C>T (p.Gln373Ter)

Gene: SLC20A2 (solute carrier family 20 member 2; minus strand). Cytogenetic location: 8p11.21.
Variant type: single nucleotide variant.
Coding change: c.1117C>T on transcript NM_001257180.2 (MANE Select); coding-DNA position 1117, C replaced by T.
Protein change: p.Gln373Ter; replaces glutamine 373 with a stop codon.
Molecular consequence: nonsense.
Genome position (GRCh38, 1-based): chr8:42,437,395, G>A on the plus strand (C>T on the coding strand, the complement: SLC20A2 is on the minus strand). VCF-style: chr8-42437395-G-A. GRCh37 (hg19) VCF-style: chr8-42294913-G-A.
Other names: c.1117C>T, p.Gln373Ter (NM_001257181.2, NM_006749.5); short protein forms Q373*.
Identifiers: ClinVar variation 1460189 (VCV001460189.6), dbSNP rs781183228, ClinGen allele CA371097373.

ClinVar aggregate classification (germline): Pathogenic (1 of 4 stars; one submission).

gnomAD v4.1: 1 of 1,614,144 alleles (0.000062%); highest among the groups gnomAD compares: Non-Finnish European, 0.000085%; no homozygotes.

Submission:

Labcorp Genetics (formerly Invitae), Labcorp
Classification: Pathogenic. Last evaluated: 2021-11-27. Review status: criteria provided, single submitter. Criteria: Invitae Variant Classification Sherloc (09022015). Collection method: clinical testing. Allele origin: germline.
Comment: For these reasons, this variant has been classified as Pathogenic. This variant has not been reported in the literature in individuals affected with SLC20A2-related conditions. This variant is not present in population databases (gnomAD no frequency). This sequence change creates a premature translational stop signal (p.Gln373*) in the SLC20A2 gene. It is expected to result in an absent or disrupted protein product. Loss-of-function variants in SLC20A2 are known to be pathogenic (PMID: 23334463).

Literature cited by the submitters: PubMed 23334463.